The following is an entry in ClinVar:

NM_006005.3(WFS1):c.2643_2644del (p.Phe883fs)

Gene: WFS1 (wolframin ER transmembrane glycoprotein; plus strand). Cytogenetic location: 4p16.1.
Variant type: Deletion.
Coding change: c.2643_2644del on transcript NM_006005.3 (MANE Select); coding-DNA positions 2643 to 2644, 2 bases deleted (CT; older notation c.2643_2644delCT).
Protein change: p.Phe883fs; shifts the reading frame from phenylalanine 883.
Molecular consequence: frameshift variant.
Genome position (GRCh38, 1-based): chr4:6,302,438-6,302,439, CT deleted; deleting any 2 consecutive bases within chr4:6,302,437-6,302,439 gives the same sequence; the c. name uses the placement nearest the transcript's 3' end. VCF-style (leftmost placement, unchanged base first): chr4-6302436-TTC-T. GRCh37 (hg19) VCF-style: chr4-6304163-TTC-T.
Other names: c.2643_2644delCT (NM_006005.3); c.2643_2644del, p.Phe883fs (NM_001145853.1); c.2642_2643delTC (NM_006005.3); short protein forms F883fs.
Identifiers: ClinVar variation 215409 (VCV000215409.12), dbSNP rs863224268, ClinGen allele CA324155.

ClinVar aggregate classification (germline): Pathogenic/Likely pathogenic. Review status: criteria provided, multiple submitters, no conflicts (2 of 4 stars). 10 submissions from 9 submitters: Pathogenic (6); Likely pathogenic (3). 1 of the submissions does not count toward it. Last evaluated 2026-01-01.

Conditions:
Syndromic Monogenic Diabetes.
WFS1-related disorder. Identifiers: MedGen CN379391, MONDO:0700293.
Autosomal dominant nonsyndromic hearing loss 6 (LFSNHL). Also called: Autosomal dominant nonsyndromic deafness 6; DEAFNESS, AUTOSOMAL DOMINANT 6; DEAFNESS, AUTOSOMAL DOMINANT 14; DEAFNESS, AUTOSOMAL DOMINANT 38. Identifiers: Orphanet 90635, MedGen C1833021, MONDO:0010963, OMIM 600965.
Type 2 diabetes mellitus. Also called: Type II diabetes mellitus. Identifiers: MedGen C0011860, MeSH D003924, MONDO:0005148, OMIM 125853, HP:0005978.
Wolfram-like syndrome. Also called: HEARING LOSS, PROGRESSIVE, WITH OPTIC ATROPHY AND/OR IMPAIRED GLUCOSE REGULATION. Identifiers: Orphanet 411590, MedGen C3280358, MONDO:0013673, OMIM 614296.
Cataract 41 (CTRCT41). Also called: CATARACT 41, CONGENITAL NUCLEAR TYPE. Identifiers: Orphanet 91492, Orphanet 98991, Orphanet 98992, Orphanet 98995, MedGen C3805412, MONDO:0007287, OMIM 116400.
Wolfram syndrome 1 (WFS1). Identifiers: Orphanet 3463, MedGen C4551693, MONDO:0009101, OMIM 222300.

Submissions (10):

Genomic Medicine Center of Excellence, King Faisal Specialist Hospital and Research Centre
Classification: Pathogenic for Syndromic Monogenic Diabetes. Last evaluated: 2026-01-01. Review status: criteria provided, single submitter. Criteria: ACMG Guidelines, 2015. Collection method: clinical testing. Allele origin: germline. Affected: yes.

PreventionGenetics, part of Exact Sciences
Classification: Likely pathogenic for WFS1-related condition. Last evaluated: 2025-07-07. Review status: criteria provided, single submitter. Criteria: ACMG Guidelines, 2015. Collection method: clinical testing. Allele origin: germline.
Comment: The WFS1 c.2643_2644delCT variant is predicted to result in a frameshift and premature protein termination (p.Phe883Leufs*56). This variant is alternatively referred to as 2812del(TC) del882fs/Ter937 and p.(F883Lfs*56) in the literature. This variant has been reported in the homozygous state in at least 4 individuals with a diagnosis or clinical features consistent with Wolfram syndrome (Table S1, Majander et al. 2016. PubMed ID: 26875006; Rohayem et al. 2025 PubMed ID: 40297921; Internal Data, PreventionGenetics) and segregation has been reported in a family with Wolfram syndrome (Inoue et al. 1998. PubMed ID: 9771706). This variant is reported in 0.0098% of alleles in individuals of South Asian descent in gnomAD. This variant is interpreted as likely pathogenic.

Fulgent Genetics
Classification: Pathogenic for Cataract 41; Type 2 diabetes mellitus; Wolfram syndrome 1; Autosomal dominant nonsyndromic hearing loss 6; Wolfram-like syndrome. Last evaluated: 2024-04-06. Review status: criteria provided, single submitter. Criteria: ACMG Guidelines, 2015. Collection method: clinical testing. Allele origin: germline.

Genomic Medicine Center of Excellence, King Faisal Specialist Hospital and Research Centre
Classification: Likely pathogenic for Wolfram syndrome 1. Last evaluated: 2024-04-04. Review status: criteria provided, single submitter. Criteria: ACMG Guidelines, 2015. Collection method: clinical testing. Allele origin: germline.

MGZ Medical Genetics Center
Classification: Pathogenic for Wolfram syndrome 1. Last evaluated: 2022-05-03. Review status: criteria provided, single submitter. Criteria: ACMG Guidelines, 2015. Collection method: clinical testing. Allele origin: germline. Affected: yes. Observed: 1 variant allele.
Comment: ACMG criteria applied: PVS1, PM3, PM2_SUP

Baylor Genetics
Classification: Pathogenic for Wolfram syndrome 1. Last evaluated: 2022-01-10. Review status: criteria provided, single submitter. Criteria: ACMG Guidelines, 2015. Collection method: clinical testing. Allele origin: unknown.

GeneDx
Classification: Pathogenic. Last evaluated: 2014-04-29. Review status: criteria provided, single submitter. Criteria: GeneDx Variant Classification (06012015). Collection method: clinical testing. Allele origin: germline. Affected: yes.
Comment: The c.2643_2644delCT mutation has been reported previously in association with Wolfram syndrome (Inoue et al., 1998). The deletion causes a frameshift starting with codon Phenylalanine 883, changes this amino acid to a Leucine residue and creates a Stop codon at position 56 of the new reading frame, denoted p.Phe883LeufsX56. This mutation is predicted to result in the last 8 correct amino acids in the WFS1 protein being replaced with 55 incorrect amino acids, which is expected to damage the structure/function of the protein. The variant is found in OAPEO-MITOP panel(s).

Clinical Genomics, Uppaluri K&H Personalized Medicine Clinic
Classification: Likely pathogenic for Wolfram syndrome 1. Review status: criteria provided, single submitter. Criteria: K & H Uppaluri Personalized Medicine Clinic Variant Classification & Assertion Criteria_Updated V.1. Collection method: research. Allele origin: unknown. Inheritance: Autosomal recessive inheritance.
Comment: Potent mutations in WFS1 gene are associated with Wolfram's syndrome, an autosomal recessive condition, which cause diabetes mellitus, diabetes insipidus, deafness and optic atrophy.However no sufficient evidence is found to ascertain the role of this particular variant rs863224268 in Wolfram's syndrome yet.

Molecular Endocrinology Laboratory, Christian Medical College
Classification: Pathogenic for Wolfram syndrome 1. Review status: criteria provided, single submitter. Criteria: ACMG Guidelines, 2015. Collection method: clinical testing. Allele origin: germline. Affected: yes.

OMIM
Classification: Pathogenic for WOLFRAM SYNDROME 1. Last evaluated: 1998-10-01. Review status: no assertion criteria provided. Collection method: literature only. Allele origin: germline. Not counted in ClinVar's aggregate classification.

Literature cited by the submitters: PubMed 20738327 (cited by Clinical Genomics, Uppaluri K&H Personalized Medicine Clinic); PubMed 33879153 (cited by Clinical Genomics, Uppaluri K&H Personalized Medicine Clinic); PubMed 12955714 (cited by Clinical Genomics, Uppaluri K&H Personalized Medicine Clinic); PubMed 18060660 (cited by Clinical Genomics, Uppaluri K&H Personalized Medicine Clinic); PubMed 20301750 (cited by Clinical Genomics, Uppaluri K&H Personalized Medicine Clinic); PubMed 17603484 (cited by Clinical Genomics, Uppaluri K&H Personalized Medicine Clinic); PubMed 16151413 (cited by Molecular Endocrinology Laboratory, Christian Medical College); PubMed 9771706 (cited by OMIM).